The following is an entry in ClinVar:

NM_005360.5(MAF):c.827G>C (p.Arg276Pro)

Gene: MAF (MAF bZIP transcription factor; minus strand). Cytogenetic location: 16q23.2.
Variant type: single nucleotide variant.
Coding change: c.827G>C on transcript NM_005360.5 (MANE Select); coding-DNA position 827, G replaced by C.
Protein change: p.Arg276Pro; replaces arginine 276 with proline.
Molecular consequence: missense variant.
Genome position (GRCh38, 1-based): chr16:79,599,076, C>G on the plus strand (G>C on the coding strand, the complement: MAF is on the minus strand). VCF-style: chr16-79599076-C-G. GRCh37 (hg19) VCF-style: chr16-79632973-C-G.
Other names: c.827G>C, p.Arg276Pro (NM_001031804.3); short protein forms R276P.
Identifiers: ClinVar variation 2662982 (VCV002662982.1), dbSNP rs1251371757, ClinGen allele CA396535145.

ClinVar aggregate classification (germline): Uncertain significance (1 of 4 stars; one submission).

Submission:

GeneDx
Classification: Uncertain significance. Last evaluated: 2023-10-25. Review status: criteria provided, single submitter. Criteria: GeneDx Variant Classification Process June 2021. Collection method: clinical testing. Allele origin: germline. Affected: yes.
Comment: Not observed at significant frequency in large population cohorts (gnomAD); In silico analysis supports that this missense variant has a deleterious effect on protein structure/function; Has not been previously published as pathogenic or benign to our knowledge